The following is an entry in ClinVar:

ClinVar aggregate classification (germline): Uncertain significance (1 of 4 stars; one submission).

Conditions:
Distal myopathy with posterior leg and anterior hand involvement. Also called: WILLIAMS DISTAL MYOPATHY. Identifiers: Orphanet 63273, MedGen C3279722, MONDO:0013550, OMIM 614065.
Myofibrillar myopathy 5. Also called: Filaminopathy (type); FILAMINOPATHY, AUTOSOMAL DOMINANT. Identifiers: Orphanet 171445, MedGen C1836050, MONDO:0012289, OMIM 609524.
Hypertrophic cardiomyopathy 26. Also called: Cardiomyopathy, familial hypertrophic, 26. Identifiers: Orphanet 75249, MedGen C4310749, MONDO:0014883, OMIM 617047.

Allele frequency attached by ClinVar (database versions not stated): TOPMed below 0.00001; gnomAD exomes 0.00001.
gnomAD v4.1: 6 of 1,613,644 alleles (0.00037%); highest among the groups gnomAD compares: Non-Finnish European, 0.00051%; no homozygotes.

Submission:

Labcorp Genetics (formerly Invitae), Labcorp
Classification: Uncertain significance for Distal myopathy with posterior leg and anterior hand involvement; Myofibrillar myopathy 5; Hypertrophic cardiomyopathy 26. Last evaluated: 2025-04-01. Review status: criteria provided, single submitter. Criteria: Invitae Variant Classification Sherloc (09022015). Collection method: clinical testing. Allele origin: germline.
Comment: This sequence change replaces leucine, which is neutral and non-polar, with proline, which is neutral and non-polar, at codon 2032 of the FLNC protein (p.Leu2032Pro). This variant is not present in population databases (gnomAD no frequency). This variant has not been reported in the literature in individuals affected with FLNC-related conditions. ClinVar contains an entry for this variant (Variation ID: 539428). Invitae Evidence Modeling of protein sequence and biophysical properties (such as structural, functional, and spatial information, amino acid conservation, physicochemical variation, residue mobility, and thermodynamic stability) has been performed for this missense variant. However, the output from this modeling did not meet the statistical confidence thresholds required to predict the impact of this variant on FLNC protein function. In summary, the available evidence is currently insufficient to determine the role of this variant in disease. Therefore, it has been classified as a Variant of Uncertain Significance.

NM_001458.5(FLNC):c.6095T>C (p.Leu2032Pro)

Genes: FLNC-AS1 (FLNC antisense RNA 1; minus strand), FLNC (filamin C; plus strand). Cytogenetic location: 7q32.1.
Variant type: single nucleotide variant.
Coding change: c.6095T>C on transcript NM_001458.5 (MANE Select); coding-DNA position 6095, T replaced by C.
Protein change: p.Leu2032Pro; replaces leucine 2032 with proline.
Molecular consequence: missense variant.
Genome position (GRCh38, 1-based): chr7:128,852,918, T>C. VCF-style: chr7-128852918-T-C. GRCh37 (hg19) VCF-style: chr7-128492972-T-C.
Other names: c.5996T>C, p.Leu1999Pro (NM_001127487.2); short protein forms L2032P, L1999P.
Identifiers: ClinVar variation 539428 (VCV000539428.10), dbSNP rs1554400980, ClinGen allele CA369211229.